The following is an entry in ClinVar:

ClinVar aggregate classification (germline): Conflicting classifications of pathogenicity. Review status: criteria provided, conflicting classifications (1 of 4 stars). 11 submissions from 11 submitters: Uncertain significance (6); Likely benign (4). 1 of the submissions does not count toward it. Last evaluated 2025-08-27.

Conditions:
BRCA1-related cancer predisposition. Identifiers: MedGen CN377757, MONDO:0700268.
Hereditary cancer-predisposing syndrome. Also called: Hereditary Cancer Syndrome; Hereditary neoplastic syndrome; Neoplastic Syndromes, Hereditary; Tumor predisposition. Identifiers: Orphanet 140162, MedGen C0027672, MeSH D009386, MONDO:0015356.
Hereditary breast ovarian cancer syndrome. Also called: BRCA1- and BRCA2-Associated Hereditary Breast and Ovarian Cancer; Hereditary breast and ovarian cancer syndrome; Hereditary breast and ovarian cancer syndrome (HBOC); Breast and ovarian cancer; Hereditary breast and/or ovarian cancer syndrome; Hereditary breast and ovarian cancer. Identifiers: Orphanet 145, MedGen C0677776, MeSH D061325, MONDO:0003582. Disease mechanism: loss of function.
Breast-ovarian cancer, familial, susceptibility to, 1 (BROVCA1). Also called: BRCA1 Hereditary Breast and Ovarian Cancer; OVARIAN CANCER, SUSCEPTIBILITY TO. Identifiers: Orphanet 145, MedGen C2676676, MONDO:0011450, OMIM 604370. Disease mechanism: loss of function.

Allele frequency attached by ClinVar (database versions not stated): gnomAD 0.00001; TOPMed 0.00002.
gnomAD v4.1: 3 of 1,613,862 alleles (0.00019%); highest among the groups gnomAD compares: African/African-American, 0.0013%; no homozygotes.

Submissions (11):

Labcorp Genetics (formerly Invitae), Labcorp
Classification: Uncertain significance for Hereditary breast ovarian cancer syndrome. Last evaluated: 2025-08-27. Review status: criteria provided, single submitter. Criteria: Invitae Variant Classification Sherloc (09022015). Collection method: clinical testing. Allele origin: germline.
Comment: This sequence change replaces cysteine, which is neutral and slightly polar, with tyrosine, which is neutral and polar, at codon 636 of the BRCA1 protein (p.Cys636Tyr). This variant is not present in population databases (gnomAD no frequency). This variant has not been reported in the literature in individuals affected with BRCA1-related conditions. ClinVar contains an entry for this variant (Variation ID: 91570). Invitae Evidence Modeling of protein sequence and biophysical properties (such as structural, functional, and spatial information, amino acid conservation, physicochemical variation, residue mobility, and thermodynamic stability) indicates that this missense variant is not expected to disrupt BRCA1 protein function with a negative predictive value of 80%. In summary, the available evidence is currently insufficient to determine the role of this variant in disease. Therefore, it has been classified as a Variant of Uncertain Significance.

Women's Health and Genetics/Laboratory Corporation of America, LabCorp
Classification: Uncertain significance. Last evaluated: 2025-07-09. Review status: criteria provided, single submitter. Criteria: LabCorp Variant Classification Summary - May 2015. Collection method: clinical testing. Allele origin: germline.
Comment: Variant summary: BRCA1 c.1907G>A (p.Cys636Tyr) results in a non-conservative amino acid change in the encoded protein sequence. Algorithms developed to predict the effect of missense changes on protein structure and function are either unavailable or do not agree on the potential impact of this missense change. The variant was absent in 251024 control chromosomes. The available data on variant occurrences in the general population are insufficient to allow any conclusion about variant significance. c.1907G>A has been observed in an unknown state in a cohort of individual(s) affected with Hereditary Breast And Ovarian Cancer Syndrome (Patruno_2021), without strong evidence for causality. These report(s) do not provide unequivocal conclusions about association of the variant with Hereditary Breast And Ovarian Cancer Syndrome. To our knowledge, no experimental evidence demonstrating an impact on protein function has been reported. The following publication has been ascertained in the context of this evaluation (PMID: 34572941). ClinVar contains an entry for this variant (Variation ID: 91570). Based on the evidence outlined above, the variant was classified as uncertain significance.

Color Diagnostics, LLC DBA Color Health
Classification: Uncertain significance for Hereditary cancer-predisposing syndrome. Last evaluated: 2025-03-24. Review status: criteria provided, single submitter. Criteria: ACMG Guidelines, 2015. Collection method: clinical testing. Allele origin: germline.
Comment: This missense variant replaces cysteine with tyrosine at codon 636 of the BRCA1 protein. Computational prediction is inconclusive regarding the impact of this variant on protein structure and function. This variant has been detected in a breast cancer case-control meta-analysis in 0/60466 cases and 1/53461 unaffected individuals (PMID: 33471991; Leiden Open Variation Database DB-ID BRCA1_006013). This variant has not been identified in the general population by the Genome Aggregation Database (gnomAD). The available evidence is insufficient to determine the role of this variant in disease conclusively. Therefore, this variant is classified as a Variant of Uncertain Significance.

ARUP Laboratories, Molecular Genetics and Genomics, ARUP Laboratories
Classification: Likely benign. Last evaluated: 2024-06-19. Review status: criteria provided, single submitter. Criteria: ARUP Molecular Germline Variant Investigation Process 2024. Collection method: clinical testing. Allele origin: germline.

All of Us Research Program, National Institutes of Health
Classification: Uncertain significance for BRCA1-related cancer predisposition. Last evaluated: 2024-03-24. Review status: criteria provided, single submitter. Criteria: ACMG Guidelines, 2015. Collection method: clinical testing. Allele origin: germline. Inheritance: Autosomal dominant inheritance. Observed: 1 variant allele, 1 heterozygote.
Comment: This missense variant replaces cysteine with tyrosine at codon 636 of the BRCA1 protein. Computational prediction is inconclusive regarding the impact of this variant on protein structure and function (internally defined REVEL score threshold 0.5 < inconclusive < 0.7, PMID: 27666373). To our knowledge, functional studies have not been reported for this variant. This variant has not been reported in individuals affected with hereditary cancer in the literature. This variant has not been identified in the general population by the Genome Aggregation Database (gnomAD). The available evidence is insufficient to determine the role of this variant in disease conclusively. Therefore, this variant is classified as a Variant of Uncertain Significance.

This study involves interpretation of variants in research participants for the purpose of population health screening. Participant phenotype was not available at the time of variant classification. Additional details can be found in publication PMID: 35346344, PMCID: PMC8962531

University of Washington Department of Laboratory Medicine, University of Washington
Classification: Likely benign for Hereditary cancer-predisposing syndrome. Last evaluated: 2023-03-23. Review status: criteria provided, single submitter. Criteria: Dines et al. (Genet Med. 2020). Collection method: curation. Allele origin: germline.
Comment: Missense variant in a coldspot region where missense variants are very unlikely to be pathogenic (PMID:31911673).

BRCA1 coldspot (exon 11 using historical exon numbering). Reclassification based on statistical prior probability

Quest Diagnostics Nichols Institute San Juan Capistrano
Classification: Uncertain significance. Last evaluated: 2020-12-04. Review status: criteria provided, single submitter. Criteria: Quest Diagnostics criteria. Collection method: clinical testing. Allele origin: unknown.

GeneDx
Classification: Likely benign. Last evaluated: 2020-09-16. Review status: criteria provided, single submitter. Criteria: GeneDx Variant Classification Process June 2021. Collection method: clinical testing. Allele origin: germline. Affected: yes.

Ambry Genetics
Classification: Likely benign for Hereditary cancer-predisposing syndrome. Last evaluated: 2018-04-19. Review status: criteria provided, single submitter. Criteria: Ambry Variant Classification Scheme 2023. Collection method: clinical testing. Allele origin: germline.

CSER _CC_NCGL, University of Washington
Classification: Uncertain significance for Hereditary breast and ovarian cancer. Last evaluated: 2015-11-01. Review status: criteria provided, single submitter. Criteria: Amendola et al. (Genome Res. 2015). Collection method: research. Allele origin: germline. Inheritance: Autosomal dominant inheritance. Study: CSER - NEXT Medicine variant annotation.

Sharing Clinical Reports Project (SCRP)
Classification: Uncertain significance for Breast-ovarian cancer, familial 1. Last evaluated: 2011-10-28. Review status: no assertion criteria provided. Collection method: clinical testing. Allele origin: germline. Not counted in ClinVar's aggregate classification.

Literature cited by the submitters: PubMed 34572941 (cited by Women's Health and Genetics/Laboratory Corporation of America, LabCorp); PubMed 33471991 (cited by Color Diagnostics, LLC DBA Color Health).

NM_007294.4(BRCA1):c.1907G>A (p.Cys636Tyr)

Gene: BRCA1 (BRCA1 DNA repair associated; minus strand). Cytogenetic location: 17q21.31.
Variant type: single nucleotide variant.
Coding change: c.1907G>A on transcript NM_007294.4 (MANE Select); coding-DNA position 1907, G replaced by A.
Protein change: p.Cys636Tyr; replaces cysteine 636 with tyrosine.
Molecular consequence: missense variant. On other transcripts: intron variant (137).
Genome position (GRCh38, 1-based): chr17:43,093,624, C>T on the plus strand (G>A on the coding strand, the complement: BRCA1 is on the minus strand). VCF-style: chr17-43093624-C-T. GRCh37 (hg19) VCF-style: chr17-41245641-C-T.
Other names: 2026G>A; c.1907G>A, p.Cys636Tyr (NM_001407594.1, NM_001407596.1, NM_001407597.1 and 30 more transcripts); c.1904G>A, p.Cys635Tyr (NM_001407610.1, NM_001407611.1, NM_001407612.1 and 22 more transcripts); c.1898G>A, p.Cys633Tyr (NM_001407646.1, NM_001407647.1); c.1784G>A, p.Cys595Tyr (NM_001407648.1, NM_001407664.1, NM_001407665.1 and 19 more transcripts); c.1781G>A, p.Cys594Tyr (NM_001407649.1, NM_001407670.1, NM_001407671.1 and 11 more transcripts); c.1829G>A, p.Cys610Tyr (NM_001407653.1, NM_001407663.1, NM_001407654.1 and 4 more transcripts); c.1766G>A, p.Cys589Tyr (NM_001407727.1, NM_001407728.1, NM_001407729.1 and 29 more transcripts); and 41 more; short protein forms C636Y, C589Y, C468Y, C508Y, C524Y, C525Y, C565Y, C566Y.
Identifiers: ClinVar variation 91570 (VCV000091570.31), dbSNP rs398122649, ClinGen allele CA001248.